The following is an entry in ClinVar:

NM_173728.4(ARHGEF15):c.113A>G (p.His38Arg)

Gene: ARHGEF15 (Rho guanine nucleotide exchange factor 15; plus strand). Cytogenetic location: 17p13.1.
Variant type: single nucleotide variant.
Coding change: c.113A>G on transcript NM_173728.4 (MANE Select); coding-DNA position 113, A replaced by G.
Protein change: p.His38Arg; replaces histidine 38 with arginine.
Molecular consequence: missense variant.
Genome position (GRCh38, 1-based): chr17:8,312,152, A>G. VCF-style: chr17-8312152-A-G. GRCh37 (hg19) VCF-style: chr17-8215470-A-G.
Other names: c.113A>G, p.His38Arg (NM_025014.2); short protein forms H38R.
Identifiers: ClinVar variation 1461573 (VCV001461573.7), dbSNP rs2151634782, ClinGen allele CA398013405.

ClinVar aggregate classification (germline): Uncertain significance (1 of 4 stars; one submission).

Conditions:
Early-infantile DEE. Also called: Early infantile epileptic encephalopathy; Ohtahara syndrome; Early infantile epileptic encephalopathy with suppression bursts. Identifiers: Orphanet 1934, MedGen C0393706, MONDO:0800491.

gnomAD v4.1: 3 of 1,407,642 alleles (0.00021%); highest among the groups gnomAD compares: Non-Finnish European, 0.00028%; no homozygotes.

Submission:

Labcorp Genetics (formerly Invitae), Labcorp
Classification: Uncertain significance for Early-infantile DEE. Last evaluated: 2021-10-21. Review status: criteria provided, single submitter. Criteria: Invitae Variant Classification Sherloc (09022015). Collection method: clinical testing. Allele origin: germline.
Comment: This sequence change replaces histidine with arginine at codon 38 of the ARHGEF15 protein (p.His38Arg). The histidine residue is moderately conserved and there is a small physicochemical difference between histidine and arginine. In summary, the available evidence is currently insufficient to determine the role of this variant in disease. Therefore, it has been classified as a Variant of Uncertain Significance. Algorithms developed to predict the effect of missense changes on protein structure and function (SIFT, PolyPhen-2, Align-GVGD) all suggest that this variant is likely to be tolerated. This variant has not been reported in the literature in individuals affected with ARHGEF15-related conditions. This variant is not present in population databases (ExAC no frequency).